The following is an entry in ClinVar:

NM_001164508.2(NEB):c.752C>G (p.Ala251Gly)

Gene: NEB (nebulin; minus strand). Cytogenetic location: 2q23.3.
Variant type: single nucleotide variant.
Coding change: c.752C>G on transcript NM_001164508.2 (MANE Select); coding-DNA position 752, C replaced by G.
Protein change: p.Ala251Gly; replaces alanine 251 with glycine.
Molecular consequence: missense variant.
Genome position (GRCh38, 1-based): chr2:151,717,486, G>C on the plus strand (C>G on the coding strand, the complement: NEB is on the minus strand). VCF-style: chr2-151717486-G-C. GRCh37 (hg19) VCF-style: chr2-152574000-G-C.
Other names: c.752C>G, p.Ala251Gly (NM_001164507.2, NM_001271208.2, NM_004543.5); short protein forms A251G.
Identifiers: ClinVar variation 3616855 (VCV003616855.2).
Genomic context (GRCh38, chr2:151,717,486, plus strand): 5'-TGATTGGTTACTTTCTTGGCAAATTCTATATCTGGAGGATCAGCCAGAGGCGTGAATTGA[G>C]CTTGCTGTTCAGCGAGACCTTTTTTGTAGGCAACCTGATGAAATAAAAGACAGGGATGTA-3'
Protein context (NP_001157980.2, residues 241-261): AYKKGLAEQQ[Ala251Gly]QFTPLADPPD

ClinVar aggregate classification (germline): Uncertain significance (1 of 4 stars; one submission).

Conditions:
Nemaline myopathy 2 (NEM2). Also called: Nemaline myopathy 2, autosomal recessive. Identifiers: MedGen C1850569, MONDO:0009725, OMIM 256030.

Submission:

Labcorp Genetics (formerly Invitae), Labcorp
Classification: Uncertain significance for Nemaline myopathy 2. Last evaluated: 2024-07-03. Review status: criteria provided, single submitter. Criteria: Invitae Variant Classification Sherloc (09022015). Collection method: clinical testing. Allele origin: germline.
Comment: This sequence change replaces alanine, which is neutral and non-polar, with glycine, which is neutral and non-polar, at codon 251 of the NEB protein (p.Ala251Gly). This variant is not present in population databases (gnomAD no frequency). This variant has not been reported in the literature in individuals affected with NEB-related conditions. Experimental studies and prediction algorithms are not available or were not evaluated, and the functional significance of this variant is currently unknown. In summary, the available evidence is currently insufficient to determine the role of this variant in disease. Therefore, it has been classified as a Variant of Uncertain Significance.